The following is an entry in ClinVar:

ClinVar aggregate classification (germline): Uncertain significance (1 of 4 stars; one submission).

Submission:

GeneDx
Classification: Uncertain significance. Last evaluated: 2023-01-21. Review status: criteria provided, single submitter. Criteria: GeneDx Variant Classification Process June 2021. Collection method: clinical testing. Allele origin: germline. Affected: yes.
Comment: Not observed at significant frequency in large population cohorts (gnomAD); Canonical splice site variant in a gene or region of a gene for which loss of function is not a well-established mechanism of disease; Has not been previously published as pathogenic or benign to our knowledge

NM_032188.3(KAT8):c.463-1G>A

Gene: KAT8 (lysine acetyltransferase 8; plus strand). Cytogenetic location: 16p11.2.
Variant type: single nucleotide variant.
Coding change: c.463-1G>A on transcript NM_032188.3 (MANE Select); the canonical splice acceptor site of the intron before coding-DNA position 463, G replaced by A.
Molecular consequence: splice acceptor variant.
Genome position (GRCh38, 1-based): chr16:31,127,034, G>A. VCF-style: chr16-31127034-G-A. GRCh37 (hg19) VCF-style: chr16-31138355-G-A.
Other names: c.463-1G>A (NM_182958.4).
Identifiers: ClinVar variation 2573753 (VCV002573753.1), dbSNP rs2057536563, ClinGen allele CA395672021.
Genomic context (GRCh38, chr16:31,127,034, plus strand): 5'-GGGAGGGACAGCCTGGTCACCACTTCTGTTCACCTCTGCCCACTTTTCTTTCCTGGCCCA[G>A]ACTTATGCAGAGATGGACCCCACCACAGCAGCCTTGGAGAAGGAGCATGAGGCGGTAAGT-3'